The following is an entry in ClinVar:

NM_152383.5(DIS3L2):c.2356G>T (p.Val786Leu)

Gene: DIS3L2 (DIS3 like 3'-5' exoribonuclease 2; plus strand). Cytogenetic location: 2q37.1.
Variant type: single nucleotide variant.
Coding change: c.2356G>T on transcript NM_152383.5 (MANE Select); coding-DNA position 2356, G replaced by T.
Protein change: p.Val786Leu; replaces valine 786 with leucine.
Molecular consequence: missense variant. On other transcripts: non-coding transcript variant (2), intron variant (1).
Genome position (GRCh38, 1-based): chr2:232,334,697, G>T. VCF-style: chr2-232334697-G-T. GRCh37 (hg19) VCF-style: chr2-233199407-G-T.
Other names: c.1582-8648G>T (NM_001257281.2); short protein forms V786L.
Identifiers: ClinVar variation 531919 (VCV000531919.12), dbSNP rs569638131, ClinGen allele CA2164507.

ClinVar aggregate classification (germline): Uncertain significance. Review status: criteria provided, multiple submitters, no conflicts (2 of 4 stars). 3 submissions from 3 submitters: Uncertain significance (3). Last evaluated 2024-12-19.

Conditions:
Perlman syndrome (PRLMNS). Identifiers: Orphanet 2849, MedGen C0796113, MONDO:0009965, OMIM 267000.
Inborn genetic diseases. Identifiers: MedGen C0950123, MeSH D030342.

Allele frequency attached by ClinVar (database versions not stated): gnomAD exomes 0.00003; gnomAD 0.00004; TOPMed 0.00004; 1000 Genomes Project 30x 0.00016; 1000 Genomes Project 0.00020.
gnomAD v4.1: 47 of 1,610,644 alleles (0.0029%); highest among the groups gnomAD compares: Non-Finnish European, 0.0039%; no homozygotes.

Submissions (3):

Labcorp Genetics (formerly Invitae), Labcorp
Classification: Uncertain significance for Perlman syndrome. Last evaluated: 2024-12-19. Review status: criteria provided, single submitter. Criteria: Invitae Variant Classification Sherloc (09022015). Collection method: clinical testing. Allele origin: germline.
Comment: This sequence change replaces valine, which is neutral and non-polar, with leucine, which is neutral and non-polar, at codon 786 of the DIS3L2 protein (p.Val786Leu). This variant is present in population databases (rs569638131, gnomAD 0.005%). This variant has not been reported in the literature in individuals affected with DIS3L2-related conditions. ClinVar contains an entry for this variant (Variation ID: 531919). Invitae Evidence Modeling of protein sequence and biophysical properties (such as structural, functional, and spatial information, amino acid conservation, physicochemical variation, residue mobility, and thermodynamic stability) indicates that this missense variant is not expected to disrupt DIS3L2 protein function with a negative predictive value of 80%. In summary, the available evidence is currently insufficient to determine the role of this variant in disease. Therefore, it has been classified as a Variant of Uncertain Significance.

Fulgent Genetics
Classification: Uncertain significance for Perlman syndrome. Last evaluated: 2024-04-04. Review status: criteria provided, single submitter. Criteria: ACMG Guidelines, 2015. Collection method: clinical testing. Allele origin: germline.

Ambry Genetics
Classification: Uncertain significance for Inborn genetic diseases. Last evaluated: 2021-09-01. Review status: criteria provided, single submitter. Criteria: Ambry Variant Classification Scheme 2023. Collection method: clinical testing. Allele origin: germline.